The following is an entry in ClinVar:

NM_001252024.2(TRPM1):c.3038A>G (p.Glu1013Gly)

Genes: TRPM1 (transient receptor potential cation channel subfamily M member 1; minus strand), TRPM1-AS1 (TRPM1 antisense RNA 1; plus strand). Cytogenetic location: 15q13.3.
Variant type: single nucleotide variant.
Coding change: c.3038A>G on transcript NM_001252024.2 (MANE Select); coding-DNA position 3038, A replaced by G.
Protein change: p.Glu1013Gly; replaces glutamic acid 1013 with glycine.
Molecular consequence: missense variant.
Genome position (GRCh38, 1-based): chr15:31,031,072, T>C on the plus strand (A>G on the coding strand, the complement: TRPM1 is on the minus strand). VCF-style: chr15-31031072-T-C. GRCh37 (hg19) VCF-style: chr15-31323275-T-C.
Other names: c.3089A>G, p.Glu1030Gly (NM_001252020.2); c.2972A>G, p.Glu991Gly (NM_002420.6); short protein forms E991G, E1013G, E1030G.
Identifiers: ClinVar variation 1360912 (VCV001360912.8), dbSNP rs1454207082, ClinGen allele CA391544722.
Genomic context (GRCh38, chr15:31,031,072, plus strand): 5'-TAGATCATCCAGTAGGGCATGTAGAAGATGTTTCGGGCCAGTTTCCAAGAGGGCTTCTCC[T>C]CTGGATGCAGAATGGCTTGACGGGCTACTCCGAAACTCATGAGCACGACCAGCATGATGA-3'
Protein context (NP_001238953.1, residues 1003-1023): GVARQAILHP[Glu1013Gly]EKPSWKLARN

ClinVar aggregate classification (germline): Uncertain significance (1 of 4 stars; one submission).

Allele frequency attached by ClinVar (database versions not stated): gnomAD exomes below 0.00001 and 0.00001.
gnomAD v4.1: 6 of 1,614,170 alleles (0.00037%); highest among the groups gnomAD compares: Admixed American, 0.0033%; no homozygotes.

Submission:

Labcorp Genetics (formerly Invitae), Labcorp
Classification: Uncertain significance. Last evaluated: 2024-12-02. Review status: criteria provided, single submitter. Criteria: Invitae Variant Classification Sherloc (09022015). Collection method: clinical testing. Allele origin: germline.
Comment: This sequence change replaces glutamic acid, which is acidic and polar, with glycine, which is neutral and non-polar, at codon 991 of the TRPM1 protein (p.Glu991Gly). This variant is present in population databases (no rsID available, gnomAD 0.006%). This variant has not been reported in the literature in individuals affected with TRPM1-related conditions. ClinVar contains an entry for this variant (Variation ID: 1360912). Invitae Evidence Modeling of protein sequence and biophysical properties (such as structural, functional, and spatial information, amino acid conservation, physicochemical variation, residue mobility, and thermodynamic stability) indicates that this missense variant is not expected to disrupt TRPM1 protein function with a negative predictive value of 95%. In summary, the available evidence is currently insufficient to determine the role of this variant in disease. Therefore, it has been classified as a Variant of Uncertain Significance.